The following is an entry in ClinVar:

NM_000038.6(APC):c.3960G>C (p.Val1320=)

Gene: APC (APC regulator of Wnt signaling pathway; plus strand). Cytogenetic location: 5q22.2.
Variant type: single nucleotide variant.
Coding change: c.3960G>C on transcript NM_000038.6 (MANE Select); coding-DNA position 3960, G replaced by C.
Protein change: p.Val1320=; no amino-acid change (valine 1320 retained).
Molecular consequence: synonymous variant.
Genome position (GRCh38, 1-based): chr5:112,839,554, G>C. VCF-style: chr5-112839554-G-C. GRCh37 (hg19) VCF-style: chr5-112175251-G-C.
Other names: c.3960G>C (NM_000038.5); c.3960G>C, p.Val1320= (NM_001127510.3, NM_001354895.2); c.3906G>C, p.Val1302= (NM_001127511.3); c.4014G>C, p.Val1338= (NM_001354896.2); c.3990G>C, p.Val1330= (NM_001354897.2); c.3885G>C, p.Val1295= (NM_001354898.2); c.3876G>C, p.Val1292= (NM_001354899.2); c.3837G>C, p.Val1279= (NM_001354900.2); and 6 more.
Identifiers: ClinVar variation 1603409 (VCV001603409.11), dbSNP rs987999780, ClinGen allele CA125167779.

ClinVar aggregate classification (germline): Benign/Likely benign. Review status: criteria provided, multiple submitters, no conflicts (2 of 4 stars). 4 submissions from 4 submitters: Benign (1); Likely benign (3). Last evaluated 2025-01-06.

Conditions:
Classic or attenuated familial adenomatous polyposis. Identifiers: MedGen CN372698, MONDO:0021057.
Hereditary cancer-predisposing syndrome. Also called: Tumor predisposition; Hereditary neoplastic syndrome; Neoplastic Syndromes, Hereditary; Hereditary Cancer Syndrome. Identifiers: Orphanet 140162, MedGen C0027672, MeSH D009386, MONDO:0015356.
Familial adenomatous polyposis 1 (FAP1). Also called: POLYPOSIS, ADENOMATOUS INTESTINAL; FAMILIAL ADENOMATOUS POLYPOSIS 1, ATTENUATED. Identifiers: MedGen C2713442, MONDO:0021056, OMIM 175100. Disease mechanism: loss of function.

Allele frequency attached by ClinVar (database versions not stated): TOPMed below 0.00001; gnomAD 0.00001.
gnomAD v4.1: 11 of 1,614,072 alleles (0.00068%); highest among the groups gnomAD compares: South Asian, 0.0088%; no homozygotes.

Submissions (4):

Labcorp Genetics (formerly Invitae), Labcorp
Classification: Likely benign for Familial adenomatous polyposis 1. Last evaluated: 2025-01-06. Review status: criteria provided, single submitter. Criteria: Invitae Variant Classification Sherloc (09022015). Collection method: clinical testing. Allele origin: germline.

All of Us Research Program, National Institutes of Health
Classification: Likely benign for Classic or attenuated familial adenomatous polyposis. Last evaluated: 2024-07-20. Review status: criteria provided, single submitter. Criteria: ACMG Guidelines, 2015. Collection method: clinical testing. Allele origin: germline. Inheritance: Autosomal dominant inheritance. Observed: 1 variant allele, 1 heterozygote.
Comment: This study involves interpretation of variants in research participants for the purpose of population health screening. Participant phenotype was not available at the time of variant classification. Additional details can be found in publication PMID: 35346344, PMCID: PMC8962531

Ambry Genetics
Classification: Likely benign for Hereditary cancer-predisposing syndrome. Last evaluated: 2024-04-11. Review status: criteria provided, single submitter. Criteria: Ambry Variant Classification Scheme 2023. Collection method: clinical testing. Allele origin: germline.

Myriad Genetics, Inc.
Classification: Benign for Familial adenomatous polyposis 1. Last evaluated: 2024-03-25. Review status: criteria provided, single submitter. Criteria: Myriad Autosomal Dominant, Autosomal Recessive and X-Linked Classification Criteria (2023). Collection method: clinical testing. Allele origin: unknown.
Comment: This variant is considered benign. This variant is a silent/synonymous amino acid change and it is not expected to impact splicing.